The following is an entry in ClinVar:

NM_003491.4(NAA10):c.199G>A (p.Val67Met)

Gene: NAA10 (N-alpha-acetyltransferase 10, NatA catalytic subunit; minus strand). Cytogenetic location: Xq28.
Variant type: single nucleotide variant.
Coding change: c.199G>A on transcript NM_003491.4 (MANE Select); coding-DNA position 199, G replaced by A.
Protein change: p.Val67Met; replaces valine 67 with methionine.
Molecular consequence: missense variant.
Genome position (GRCh38, 1-based): chrX:153,932,565, C>T on the plus strand (G>A on the coding strand, the complement: NAA10 is on the minus strand). VCF-style: chrX-153932565-C-T. GRCh37 (hg19) VCF-style: chrX-153198018-C-T.
Other names: c.199G>A, p.Val67Met (NM_001256119.2); c.181G>A, p.Val61Met (NM_001256120.2); short protein forms V61M, V67M.
Identifiers: ClinVar variation 3668577 (VCV003668577.2).

ClinVar aggregate classification (germline): Uncertain significance (1 of 4 stars; one submission).

gnomAD v4.1: 1 of 1,207,043 alleles (0.000083%); highest among the groups gnomAD compares: Non-Finnish European, 0.00011%; no homozygotes.

Submission:

Labcorp Genetics (formerly Invitae), Labcorp
Classification: Uncertain significance. Last evaluated: 2024-06-17. Review status: criteria provided, single submitter. Criteria: Invitae Variant Classification Sherloc (09022015). Collection method: clinical testing. Allele origin: germline.
Comment: This sequence change replaces valine, which is neutral and non-polar, with methionine, which is neutral and non-polar, at codon 67 of the NAA10 protein (p.Val67Met). This variant is not present in population databases (gnomAD no frequency). This variant has not been reported in the literature in individuals affected with NAA10-related conditions. An algorithm developed to predict the effect of missense changes on protein structure and function (PolyPhen-2) suggests that this variant is likely to be disruptive. In summary, the available evidence is currently insufficient to determine the role of this variant in disease. Therefore, it has been classified as a Variant of Uncertain Significance.